The following is an entry in ClinVar:

NM_001122681.2(SH3BP2):c.527A>G (p.His176Arg)

Gene: SH3BP2 (SH3 domain binding protein 2; plus strand). Cytogenetic location: 4p16.3.
Variant type: single nucleotide variant.
Coding change: c.527A>G on transcript NM_001122681.2 (MANE Select); coding-DNA position 527, A replaced by G.
Protein change: p.His176Arg; replaces histidine 176 with arginine.
Molecular consequence: missense variant.
Genome position (GRCh38, 1-based): chr4:2,827,615, A>G. VCF-style: chr4-2827615-A-G. GRCh37 (hg19) VCF-style: chr4-2829342-A-G.
Other names: c.611A>G, p.His204Arg (NM_001145855.2); c.698A>G, p.His233Arg (NM_001145856.2); c.527A>G, p.His176Arg (NM_003023.4); short protein forms H204R, H176R, H233R.
Identifiers: ClinVar variation 935936 (VCV000935936.10), dbSNP rs779050688, ClinGen allele CA2819228.

ClinVar aggregate classification (germline): Uncertain significance. Review status: criteria provided, multiple submitters, no conflicts (2 of 4 stars). 2 submissions from 2 submitters: Uncertain significance (2). Last evaluated 2025-07-02.

Conditions:
Inborn genetic diseases. Identifiers: MedGen C0950123, MeSH D030342.
Fibrous dysplasia of jaw (CRBM). Also called: Cherubism. Identifiers: Orphanet 184, MedGen C0008029, MONDO:0007315, OMIM 118400.

Allele frequency attached by ClinVar (database versions not stated): gnomAD 0.00001; gnomAD exomes 0.00003 and 0.00008; TOPMed 0.00005; ExAC 0.00012.
gnomAD v4.1: 19 of 1,591,384 alleles (0.0012%); highest among the groups gnomAD compares: Admixed American, 0.031%; no homozygotes.

Submissions (2):

Labcorp Genetics (formerly Invitae), Labcorp
Classification: Uncertain significance for Fibrous dysplasia of jaw. Last evaluated: 2025-07-02. Review status: criteria provided, single submitter. Criteria: Invitae Variant Classification Sherloc (09022015). Collection method: clinical testing. Allele origin: germline.
Comment: This sequence change replaces histidine, which is basic and polar, with arginine, which is basic and polar, at codon 176 of the SH3BP2 protein (p.His176Arg). This variant is present in population databases (rs779050688, gnomAD 0.05%), and has an allele count higher than expected for a pathogenic variant. This variant has not been reported in the literature in individuals affected with SH3BP2-related conditions. ClinVar contains an entry for this variant (Variation ID: 935936). Invitae Evidence Modeling of protein sequence and biophysical properties (such as structural, functional, and spatial information, amino acid conservation, physicochemical variation, residue mobility, and thermodynamic stability) indicates that this missense variant is not expected to disrupt SH3BP2 protein function with a negative predictive value of 80%. In summary, the available evidence is currently insufficient to determine the role of this variant in disease. Therefore, it has been classified as a Variant of Uncertain Significance.

Ambry Genetics
Classification: Uncertain significance for Inborn genetic diseases. Last evaluated: 2024-07-31. Review status: criteria provided, single submitter. Criteria: Ambry Variant Classification Scheme 2023. Collection method: clinical testing. Allele origin: germline.